The following is an entry in ClinVar:

NM_020297.4(ABCC9):c.1456-3T>C

Gene: ABCC9 (ATP binding cassette subfamily C member 9; minus strand). Cytogenetic location: 12p12.1.
Variant type: single nucleotide variant.
Coding change: c.1456-3T>C on transcript NM_020297.4 (MANE Select); 3 bases into the intron before coding-DNA position 1456, T replaced by C.
Molecular consequence: intron variant.
Genome position (GRCh38, 1-based): chr12:21,906,291, A>G on the plus strand (T>C on the coding strand, the complement: ABCC9 is on the minus strand). VCF-style: chr12-21906291-A-G. GRCh37 (hg19) VCF-style: chr12-22059225-A-G.
Other names: c.592-3T>C (NM_001377274.1); c.1456-3T>C (NM_005691.4, NM_001377273.1).
Identifiers: ClinVar variation 626799 (VCV000626799.7), dbSNP rs759866398, ClinGen allele CA6481649.

ClinVar aggregate classification (germline): Uncertain significance. Review status: criteria provided, multiple submitters, no conflicts (2 of 4 stars). 2 submissions from 2 submitters: Uncertain significance (2). Last evaluated 2024-11-02.

Conditions:
Dilated cardiomyopathy 1O (CMD1O). Also called: CARDIOMYOPATHY, DILATED, WITH VENTRICULAR TACHYCARDIA. Identifiers: Orphanet 154, MedGen C1837839, MONDO:0012062, OMIM 608569.
Cardiomyopathy (CMYO). Also called: Cardiomyopathies. Identifiers: Orphanet 167848, MedGen C0878544, MONDO:0004994, HP:0001638. Inheritance: Various modes of inheritance.

Allele frequency attached by ClinVar (database versions not stated): gnomAD exomes below 0.00001 and 0.00001; ExAC 0.00001; gnomAD 0.00001; TOPMed 0.00001.
gnomAD v4.1: 10 of 1,605,986 alleles (0.00062%); highest among the groups gnomAD compares: South Asian, 0.0011%; no homozygotes.

Submissions (2):

Labcorp Genetics (formerly Invitae), Labcorp
Classification: Uncertain significance for Dilated cardiomyopathy 1O. Last evaluated: 2024-11-02. Review status: criteria provided, single submitter. Criteria: Invitae Variant Classification Sherloc (09022015). Collection method: clinical testing. Allele origin: germline.
Comment: This sequence change falls in intron 9 of the ABCC9 gene. It does not directly change the encoded amino acid sequence of the ABCC9 protein. It affects a nucleotide within the consensus splice site. The frequency data for this variant in the population databases is considered unreliable, as metrics indicate poor data quality at this position in the gnomAD database. This variant has not been reported in the literature in individuals affected with ABCC9-related conditions. ClinVar contains an entry for this variant (Variation ID: 626799). Variants that disrupt the consensus splice site are a relatively common cause of aberrant splicing (PMID: 17576681, 9536098). Algorithms developed to predict the effect of sequence changes on RNA splicing suggest that this variant is not likely to affect RNA splicing. In summary, the available evidence is currently insufficient to determine the role of this variant in disease. Therefore, it has been classified as a Variant of Uncertain Significance.

CHEO Genetics Diagnostic Laboratory, Children's Hospital of Eastern Ontario
Classification: Uncertain significance for Cardiomyopathy. Last evaluated: 2016-05-03. Review status: criteria provided, single submitter. Criteria: ACMG Guidelines, 2015. Collection method: clinical testing. Allele origin: germline. Study: Canadian Open Genetics Repository.

Literature cited by the submitters: PubMed 17576681 (cited by Labcorp Genetics (formerly Invitae), Labcorp); PubMed 9536098 (cited by Labcorp Genetics (formerly Invitae), Labcorp).